The following is an entry in ClinVar:

ClinVar aggregate classification (germline): Uncertain significance (1 of 4 stars; one submission).

Conditions:
Charcot-Marie-Tooth disease type 2. Also called: Charcot-Marie-Tooth type 2. Identifiers: Orphanet 64746, MedGen C0270914, MONDO:0018993.

Submission:

Labcorp Genetics (formerly Invitae), Labcorp
Classification: Uncertain significance for Charcot-Marie-Tooth disease type 2. Last evaluated: 2018-03-23. Review status: criteria provided, single submitter. Criteria: Invitae Variant Classification Sherloc (09022015). Collection method: clinical testing. Allele origin: germline.
Comment: This sequence change replaces methionine with isoleucine at codon 450 of the MED25 protein (p.Met450Ile). The methionine residue is highly conserved and there is a small physicochemical difference between methionine and isoleucine. This variant is not present in population databases (ExAC no frequency). This variant has not been reported in the literature in individuals with MED25-related disease. Algorithms developed to predict the effect of missense changes on protein structure and function do not agree on the potential impact of this missense change (SIFT: "Tolerated"; PolyPhen-2: "Possibly Damaging"; Align-GVGD: "Class C0"). In summary, the available evidence is currently insufficient to determine the role of this variant in disease. Therefore, it has been classified as a Variant of Uncertain Significance.

NM_030973.4(MED25):c.1350G>A (p.Met450Ile)

Gene: MED25 (mediator complex subunit 25; plus strand). Cytogenetic location: 19q13.33.
Variant type: single nucleotide variant.
Coding change: c.1350G>A on transcript NM_030973.4 (MANE Select); coding-DNA position 1350, G replaced by A.
Protein change: p.Met450Ile; replaces methionine 450 with isoleucine.
Molecular consequence: missense variant.
Genome position (GRCh38, 1-based): chr19:49,832,133, G>A. VCF-style: chr19-49832133-G-A. GRCh37 (hg19) VCF-style: chr19-50335390-G-A.
Other names: c.1350G>A, p.Met450Ile (NM_001378355.1); short protein forms M450I.
Identifiers: ClinVar variation 571517 (VCV000571517.8), dbSNP rs1568623987, ClinGen allele CA406917175.